The following is an entry in ClinVar:

NM_014989.7(RIMS1):c.4268T>G (p.Val1423Gly)

Gene: RIMS1 (regulating synaptic membrane exocytosis 1; plus strand). Cytogenetic location: 6q13.
Variant type: single nucleotide variant.
Coding change: c.4268T>G on transcript NM_014989.7 (MANE Select); coding-DNA position 4268, T replaced by G.
Protein change: p.Val1423Gly; replaces valine 1423 with glycine.
Molecular consequence: missense variant. On other transcripts: intron variant (24).
Genome position (GRCh38, 1-based): chr6:72,333,737, T>G. VCF-style: chr6-72333737-T-G. GRCh37 (hg19) VCF-style: chr6-73043440-T-G.
Other names: c.2228T>G, p.Val743Gly (NM_001168407.2); c.2189T>G, p.Val730Gly (NM_001350414.2); c.2285T>G, p.Val762Gly (NM_001350415.2); c.2234T>G, p.Val745Gly (NM_001350416.2); c.2207T>G, p.Val736Gly (NM_001350418.2); c.2342T>G, p.Val781Gly (NM_001350420.2); c.2087T>G, p.Val696Gly (NM_001350421.2); c.1976T>G, p.Val659Gly (NM_001350423.2); and 53 more; short protein forms V612G, V653G, V663G, V669G, V697G, V713G, V726G, V730G.
Identifiers: ClinVar variation 2970983 (VCV002970983.4), dbSNP rs764505548, ClinGen allele CA3886477.

ClinVar aggregate classification (germline): Uncertain significance. Review status: criteria provided, multiple submitters, no conflicts (2 of 4 stars). 2 submissions from 2 submitters: Uncertain significance (2). Last evaluated 2025-12-19.

Allele frequency attached by ClinVar (database versions not stated): gnomAD 0.00001; gnomAD exomes 0.00001; ExAC 0.00003.
gnomAD v4.1: 25 of 1,599,116 alleles (0.0016%); highest among the groups gnomAD compares: South Asian, 0.024%; 1 homozygote.

Submissions (2):

Labcorp Genetics (formerly Invitae), Labcorp
Classification: Uncertain significance. Last evaluated: 2025-12-19. Review status: criteria provided, single submitter. Criteria: Invitae Variant Classification Sherloc (09022015). Collection method: clinical testing. Allele origin: germline.
Comment: This sequence change replaces valine, which is neutral and non-polar, with glycine, which is neutral and non-polar, at codon 1423 of the RIMS1 protein (p.Val1423Gly). This variant is present in population databases (rs764505548, gnomAD 0.007%). This variant has not been reported in the literature in individuals affected with RIMS1-related conditions. ClinVar contains an entry for this variant (Variation ID: 2970983). An algorithm developed to predict the effect of missense changes on protein structure and function (PolyPhen-2) suggests that this variant is likely to be tolerated. In summary, the available evidence is currently insufficient to determine the role of this variant in disease. Therefore, it has been classified as a Variant of Uncertain Significance.

Blueprint Genetics
Classification: Uncertain significance. Last evaluated: 2024-07-11. Review status: criteria provided, single submitter. Criteria: ACMG Guidelines, 2015. Collection method: clinical testing. Allele origin: germline.